The following is an entry in ClinVar:

ClinVar aggregate classification (germline): Conflicting classifications of pathogenicity. Review status: criteria provided, conflicting classifications (1 of 4 stars). 5 submissions from 5 submitters: Uncertain significance (3); Likely benign (2). Last evaluated 2026-01-06.

Conditions:
Chédiak-Higashi syndrome (CHS). Also called: Chediak-Higashi Syndrome. Identifiers: Orphanet 167, MedGen C0007965, MONDO:0008963, OMIM 214500.

Allele frequency attached by ClinVar (database versions not stated): gnomAD exomes 0.00004 and 0.00010; gnomAD 0.00007 and 0.00008; TOPMed 0.00007; ExAC 0.00010.
gnomAD v4.1: 77 of 1,599,698 alleles (0.0048%); highest among the groups gnomAD compares: Middle Eastern, 0.038%; no homozygotes.

Submissions (5):

Labcorp Genetics (formerly Invitae), Labcorp
Classification: Uncertain significance for Chédiak-Higashi syndrome. Last evaluated: 2026-01-06. Review status: criteria provided, single submitter. Criteria: Invitae Variant Classification Sherloc (09022015). Collection method: clinical testing. Allele origin: germline.
Comment: This sequence change falls in intron 27 of the LYST gene. It does not directly change the encoded amino acid sequence of the LYST protein. It affects a nucleotide within the consensus splice site. This variant is present in population databases (rs749282192, gnomAD 0.04%). This variant has not been reported in the literature in individuals affected with LYST-related conditions. ClinVar contains an entry for this variant (Variation ID: 664135). Variants that disrupt the consensus splice site are a relatively common cause of aberrant splicing (PMID: 17576681, 9536098). Algorithms developed to predict the effect of sequence changes on RNA splicing suggest that this variant is not likely to affect RNA splicing. In summary, the available evidence is currently insufficient to determine the role of this variant in disease. Therefore, it has been classified as a Variant of Uncertain Significance.

Blueprint Genetics
Classification: Likely benign. Last evaluated: 2024-11-06. Review status: criteria provided, single submitter. Criteria: ACMG Guidelines, 2015. Collection method: clinical testing. Allele origin: germline.

Mayo Clinic Laboratories, Mayo Clinic
Classification: Uncertain significance. Last evaluated: 2023-11-03. Review status: criteria provided, single submitter. Criteria: ACMG Guidelines, 2015. Collection method: clinical testing. Allele origin: germline. Observed: 1 variant allele.

GeneDx
Classification: Likely benign. Last evaluated: 2019-04-15. Review status: criteria provided, single submitter. Criteria: GeneDx Variant Classification Process June 2021. Collection method: clinical testing. Allele origin: germline. Affected: yes.

CeGaT Center for Human Genetics Tuebingen
Classification: Uncertain significance. Last evaluated: 2016-05-01. Review status: criteria provided, single submitter. Criteria: CeGaT Center For Human Genetics Tuebingen Variant Classification Criteria Version 2. Collection method: clinical testing. Allele origin: germline. Affected: yes. Observed: 1 variant allele.

Literature cited by the submitters: PubMed 17576681 (cited by Labcorp Genetics (formerly Invitae), Labcorp); PubMed 9536098 (cited by Labcorp Genetics (formerly Invitae), Labcorp).

NM_000081.4(LYST):c.7627+6A>T

Gene: LYST (lysosomal trafficking regulator; minus strand). Cytogenetic location: 1q42.3.
Variant type: single nucleotide variant.
Coding change: c.7627+6A>T on transcript NM_000081.4 (MANE Select); 6 bases into the intron after coding-DNA position 7627, A replaced by T.
Molecular consequence: intron variant.
Genome position (GRCh38, 1-based): chr1:235,751,999, T>A on the plus strand (A>T on the coding strand, the complement: LYST is on the minus strand). VCF-style: chr1-235751999-T-A. GRCh37 (hg19) VCF-style: chr1-235915299-T-A.
Other names: p.?; c.7627+6A>T (NM_001301365.1).
Identifiers: ClinVar variation 664135 (VCV000664135.52), dbSNP rs749282192, ClinGen allele CA1466101.
Genomic context (GRCh38, chr1:235,751,999, plus strand): 5'-GTGCTCAAATAACAGGTTTGTCTGTTATACAACTCCCTCCCCAAATTCATAAAAATTAAA[T>A]CTTACTTTGTGTCCTCTTGTTTTTGCTATTTTGAAGATATCCAAGCATTACAATAAGGTC-3'